The following is an entry in ClinVar:

NM_001145809.2(MYH14):c.5083G>A (p.Gly1695Ser)

Gene: MYH14 (myosin heavy chain 14; plus strand). Cytogenetic location: 19q13.33.
Variant type: single nucleotide variant.
Coding change: c.5083G>A on transcript NM_001145809.2 (MANE Select); coding-DNA position 5083, G replaced by A.
Protein change: p.Gly1695Ser; replaces glycine 1695 with serine.
Molecular consequence: missense variant.
Genome position (GRCh38, 1-based): chr19:50,291,004, G>A. VCF-style: chr19-50291004-G-A. GRCh37 (hg19) VCF-style: chr19-50794261-G-A.
Other names: c.4984G>A, p.Gly1662Ser (NM_001077186.2); c.4960G>A, p.Gly1654Ser (NM_024729.4); short protein forms G1654S, G1662S, G1695S.
Identifiers: ClinVar variation 3897291 (VCV003897291.1).

ClinVar aggregate classification (germline): Uncertain significance (1 of 4 stars; one submission).

gnomAD v4.1: 20 of 1,612,340 alleles (0.0012%); highest among the groups gnomAD compares: Middle Eastern, 0.017%; no homozygotes.

Submission:

GeneDx
Classification: Uncertain significance. Last evaluated: 2024-10-30. Review status: criteria provided, single submitter. Criteria: GeneDx Variant Classification Process June 2021. Collection method: clinical testing. Allele origin: germline. Affected: yes.
Comment: In silico analysis indicates that this missense variant does not alter protein structure/function; Has not been previously published as pathogenic or benign to our knowledge